The following is an entry in ClinVar:

NM_007294.4(BRCA1):c.2076_2077delinsAA (p.His692_Asp693delinsGlnAsn)

Gene: BRCA1 (BRCA1 DNA repair associated; minus strand). Cytogenetic location: 17q21.31.
Variant type: Indel.
Coding change: c.2076_2077delinsAA on transcript NM_007294.4 (MANE Select); coding-DNA positions 2076 to 2077, TG replaced by AA.
Protein change: p.His692_Asp693delinsGlnAsn.
Molecular consequence: missense variant. On other transcripts: intron variant (137).
Genome position (GRCh38, 1-based): chr17:43,093,454-43,093,455, CA replaced by TT on the plus strand (TG replaced by AA on the coding strand, the reverse complement: BRCA1 is on the minus strand). VCF-style: chr17-43093454-CA-TT. GRCh37 (hg19) VCF-style: chr17-41245471-CA-TT.
Other names: c.670+2391_670+2392delinsAA (NM_001408422.1, NM_001408418.1, NM_001408423.1 and 2 more transcripts); c.706+1289_706+1290delinsAA (NM_001408416.1, NM_001408413.1); c.577+1289_577+1290delinsAA (NM_001408478.1, NM_001408484.1, NM_001408514.1 and 9 more transcripts); c.784+1289_784+1290delinsAA (NM_001408398.1, NM_001407992.1, NM_001407986.1 and 13 more transcripts); c.661+1289_661+1290delinsAA (NM_001408450.1, NM_001408434.1, NM_001408433.1 and 6 more transcripts); c.664+1289_664+1290delinsAA (NM_001408440.1, NM_001408428.1, NM_001408436.1 and 12 more transcripts); c.787+1289_787+1290delinsAA (NM_001407981.1, NM_007298.4, NM_001407978.1 and 19 more transcripts); c.643+1289_643+1290delinsAA (NM_001408462.1, NM_001408470.1, NM_001408464.1 and 3 more transcripts); and 40 more.
Identifiers: ClinVar variation 3654344 (VCV003654344.2).

ClinVar aggregate classification (germline): Uncertain significance (1 of 4 stars; one submission).

Conditions:
Hereditary breast ovarian cancer syndrome. Also called: BRCA1- and BRCA2-Associated Hereditary Breast and Ovarian Cancer; Breast and ovarian cancer; Hereditary breast and ovarian cancer syndrome (HBOC); Hereditary breast and ovarian cancer syndrome; Hereditary breast and/or ovarian cancer syndrome; Hereditary breast and ovarian cancer. Identifiers: Orphanet 145, MedGen C0677776, MeSH D061325, MONDO:0003582. Disease mechanism: loss of function.

Submission:

Labcorp Genetics (formerly Invitae), Labcorp
Classification: Uncertain significance for Hereditary breast ovarian cancer syndrome. Last evaluated: 2024-09-01. Review status: criteria provided, single submitter. Criteria: Invitae Variant Classification Sherloc (09022015). Collection method: clinical testing. Allele origin: germline.
Comment: This variant, c.2076_2077delinsAA, is a complex sequence change that results in the deletion of 2 and insertion of 2 amino acid(s) in the BRCA1 protein (p.His692_Asp693delinsGlnAsn). Information on the frequency of this variant in the gnomAD database is not available, as this variant may be reported differently in the database. This variant has not been reported in the literature in individuals affected with BRCA1-related conditions. Experimental studies and prediction algorithms are not available or were not evaluated, and the functional significance of this variant is currently unknown. In summary, the available evidence is currently insufficient to determine the role of this variant in disease. Therefore, it has been classified as a Variant of Uncertain Significance.